The following is an entry in ClinVar:

NM_001754.5(RUNX1):c.54G>T (p.Met18Ile)

Gene: RUNX1 (RUNX family transcription factor 1; minus strand). Cytogenetic location: 21q22.12.
Variant type: single nucleotide variant.
Coding change: c.54G>T on transcript NM_001754.5 (MANE Select); coding-DNA position 54, G replaced by T.
Protein change: p.Met18Ile; replaces methionine 18 with isoleucine.
Molecular consequence: missense variant.
Genome position (GRCh38, 1-based): chr21:35,048,846, C>A on the plus strand (G>T on the coding strand, the complement: RUNX1 is on the minus strand). VCF-style: chr21-35048846-C-A. GRCh37 (hg19) VCF-style: chr21-36421143-C-A.
Other names: short protein forms M18I.
Identifiers: ClinVar variation 650319 (VCV000650319.13), dbSNP rs371736038, ClinGen allele CA10014725.

ClinVar aggregate classification (germline): Likely benign. Review status: reviewed by expert panel (3 of 4 stars). 4 submissions from 4 submitters: Likely benign (1). 3 of the submissions do not count toward it. Last evaluated 2021-01-11.

Conditions:
Inborn genetic diseases. Identifiers: MedGen C0950123, MeSH D030342.
Hereditary thrombocytopenia and hematologic cancer predisposition syndrome. Identifiers: Orphanet 71290, MedGen CN281654, MONDO:0011071.
Hereditary thrombocytopenia and hematological cancer predisposition syndrome associated with RUNX1. Also called: RUNX1 Familial Platelet Disorder with Associated Myeloid Malignancies; Familial Platelet Disorder with Propensity to Acute Myelogenous Leukemia; Familial thrombocytopenia with propensity to acute myelogenous leukemia; PLATELET DISORDER, ASPIRIN-LIKE. Identifiers: Orphanet 71290, MedGen C1832388, MeSH C563324, MONDO:0100083, OMIM 601399.

Allele frequency attached by ClinVar (database versions not stated): ExAC 0.00003; gnomAD exomes 0.00003; gnomAD 0.00004; TOPMed 0.00006; ESP Exome Variant Server 0.00008.

Submissions (4):

ClinGen Myeloid Malignancy Variant Curation Expert Panel
Classification: Likely benign for Hereditary thrombocytopenia and hematologic cancer predisposition syndrome. Last evaluated: 2021-01-11. Review status: reviewed by expert panel. Criteria: ClinGen MyeloMalig ACMG Specifications v1. Collection method: curation. Allele origin: germline. Inheritance: Autosomal dominant inheritance.
Comment: The NM_001754.4:c.54G>T variant that results in a Met18Ile missense change has an MAF of 0.0002403 (0.02%, 6/24966 alleles) in the African subpopulation of the gnomAD v2.1.1 cohort, which is between 0.00015 (0.015%) and 0.0015 (0.15%) (BS1). This variant meets criteria to be classified as likely benign based on BS1 alone with no contradictory evidence supporting pathogenicity. ACMG/AMP criteria applied, as specified by the Myeloid Malignancy Variant Curation Expert Panel for RUNX1: BS1.

Dasa
Classification: Likely benign. Last evaluated: 2026-01-20. Review status: criteria provided, single submitter. Criteria: DASA Assertion Criteria. Collection method: clinical testing. Allele origin: germline. Not counted in ClinVar's aggregate classification.
Comment: NM_001754.5(RUNX1):c.54G>T (p.Met18Ile) is a missense variant that results in the substitution of methionine with isoleucine. Population frequency is inconsistent with a disease-causing role for this variant. Therefore, based on the currently available evidence, this variant is classified as likely benign.

Labcorp Genetics (formerly Invitae), Labcorp
Classification: Uncertain significance for Hereditary thrombocytopenia and hematological cancer predisposition syndrome associated with RUNX1. Last evaluated: 2025-06-26. Review status: criteria provided, single submitter. Criteria: Invitae Variant Classification Sherloc (09022015). Collection method: clinical testing. Allele origin: germline. Not counted in ClinVar's aggregate classification.
Comment: This sequence change replaces methionine, which is neutral and non-polar, with isoleucine, which is neutral and non-polar, at codon 18 of the RUNX1 protein (p.Met18Ile). This variant is present in population databases (rs371736038, gnomAD 0.02%). This variant has not been reported in the literature in individuals affected with RUNX1-related conditions. ClinVar contains an entry for this variant (Variation ID: 650319). An algorithm developed to predict the effect of missense changes on protein structure and function (PolyPhen-2) suggests that this variant is likely to be tolerated. In summary, the available evidence is currently insufficient to determine the role of this variant in disease. Therefore, it has been classified as a Variant of Uncertain Significance.

Ambry Genetics
Classification: Uncertain significance for Inborn genetic diseases. Last evaluated: 2025-06-10. Review status: criteria provided, single submitter. Criteria: Ambry Variant Classification Scheme 2023. Collection method: clinical testing. Allele origin: germline. Not counted in ClinVar's aggregate classification.